The following is an entry in ClinVar:

NM_015570.4(AUTS2):c.3650T>C (p.Leu1217Pro)

Gene: AUTS2 (activator of transcription and developmental regulator AUTS2; plus strand). Cytogenetic location: 7q11.22.
Variant type: single nucleotide variant.
Coding change: c.3650T>C on transcript NM_015570.4 (MANE Select); coding-DNA position 3650, T replaced by C.
Protein change: p.Leu1217Pro; replaces leucine 1217 with proline.
Molecular consequence: missense variant.
Genome position (GRCh38, 1-based): chr7:70,790,866, T>C. VCF-style: chr7-70790866-T-C. GRCh37 (hg19) VCF-style: chr7-70255852-T-C.
Other names: c.3578T>C, p.Leu1193Pro (NM_001127231.3); short protein forms L1193P, L1217P.
Identifiers: ClinVar variation 1810150 (VCV001810150.1), dbSNP rs1791901835, ClinGen allele CA367666640.

ClinVar aggregate classification (germline): Uncertain significance (1 of 4 stars; one submission).

Allele frequency attached by ClinVar (database versions not stated): gnomAD exomes below 0.00001; TOPMed below 0.00001.
gnomAD v4.1: 3 of 1,605,758 alleles (0.00019%); highest among the groups gnomAD compares: Non-Finnish European, 0.00026%; no homozygotes.

Submission:

GeneDx
Classification: Uncertain significance. Last evaluated: 2022-06-23. Review status: criteria provided, single submitter. Criteria: GeneDx Variant Classification Process June 2021. Collection method: clinical testing. Allele origin: germline. Affected: yes.
Comment: Not observed at significant frequency in large population cohorts (gnomAD); In silico analysis supports that this missense variant has a deleterious effect on protein structure/function; Has not been previously published as pathogenic or benign to our knowledge